The following is an entry in ClinVar:

ClinVar aggregate classification (germline): Uncertain significance (1 of 4 stars; one submission).

Conditions:
Inborn genetic diseases. Identifiers: MedGen C0950123, MeSH D030342.

Submission:

Ambry Genetics
Classification: Uncertain significance for Inborn genetic diseases. Last evaluated: 2025-11-17. Review status: criteria provided, single submitter. Criteria: Ambry Variant Classification Scheme 2023. Collection method: clinical testing. Allele origin: germline.
Comment: The p.Q222H variant (also known as c.666G>C), located in coding exon 6 of the CEP57 gene, results from a G to C substitution at nucleotide position 666. The glutamine at codon 222 is replaced by histidine, an amino acid with highly similar properties. This amino acid position is conserved. In addition, this alteration is predicted to be tolerated by in silico analysis. Based on the available evidence, the clinical significance of this variant remains unclear.

NM_014679.5(CEP57):c.666G>C (p.Gln222His)

Gene: CEP57 (centrosomal protein 57; plus strand). Cytogenetic location: 11q21.
Variant type: single nucleotide variant.
Coding change: c.666G>C on transcript NM_014679.5 (MANE Select); coding-DNA position 666, G replaced by C.
Protein change: p.Gln222His; replaces glutamine 222 with histidine.
Molecular consequence: missense variant.
Genome position (GRCh38, 1-based): chr11:95,818,871, G>C. VCF-style: chr11-95818871-G-C. GRCh37 (hg19) VCF-style: chr11-95552035-G-C.
Other names: c.666G>C, p.Gln222His (NM_001243777.2, NM_001440871.1, NM_001440874.1); c.585G>C, p.Gln195His (NM_001363604.2, NM_001440869.1, NM_001440870.1 and 1 more transcripts); c.549G>C, p.Gln183His (NM_001440872.1, NM_001440876.1, NM_001440879.1 and 1 more transcripts); c.486G>C, p.Gln162His (NM_001440873.1); c.468G>C, p.Gln156His (NM_001440877.1, NM_001440878.1); c.405G>C, p.Gln135His (NM_001440880.1); c.369G>C, p.Gln123His (NM_001440881.1); c.639G>C, p.Gln213His (NM_001243776.2); short protein forms Q156H, Q213H, Q135H, Q183H, Q222H, Q123H, Q162H, Q195H.
Identifiers: ClinVar variation 4613678 (VCV004613678.1).